The following is an entry in ClinVar:

NM_173354.5(SIK1):c.1477C>A (p.Pro493Thr)

Gene: SIK1 (salt inducible kinase 1; minus strand). Cytogenetic location: 21q22.3.
Variant type: single nucleotide variant.
Coding change: c.1477C>A on transcript NM_173354.5 (MANE Select); coding-DNA position 1477, C replaced by A.
Protein change: p.Pro493Thr; replaces proline 493 with threonine.
Molecular consequence: missense variant.
Genome position (GRCh38, 1-based): chr21:43,418,527, G>T on the plus strand (C>A on the coding strand, the complement: SIK1 is on the minus strand). VCF-style: chr21-43418527-G-T. GRCh37 (hg19) VCF-style: chr21-44838407-G-T.
Other names: short protein forms P493T.
Identifiers: ClinVar variation 2095703 (VCV002095703.4), dbSNP rs777710420, ClinGen allele CA410607924.

ClinVar aggregate classification (germline): Uncertain significance (1 of 4 stars; one submission).

Conditions:
Developmental and epileptic encephalopathy, 30 (DEE30). Also called: Epileptic encephalopathy, early infantile, 30. Identifiers: MedGen C4225360, MONDO:0014595, OMIM 616341.

Submission:

Labcorp Genetics (formerly Invitae), Labcorp
Classification: Uncertain significance for Developmental and epileptic encephalopathy, 30. Last evaluated: 2023-04-16. Review status: criteria provided, single submitter. Criteria: Invitae Variant Classification Sherloc (09022015). Collection method: clinical testing. Allele origin: germline.
Comment: In summary, the available evidence is currently insufficient to determine the role of this variant in disease. Therefore, it has been classified as a Variant of Uncertain Significance. Advanced modeling of protein sequence and biophysical properties (such as structural, functional, and spatial information, amino acid conservation, physicochemical variation, residue mobility, and thermodynamic stability) performed at Invitae indicates that this missense variant is not expected to disrupt SIK1 protein function. ClinVar contains an entry for this variant (Variation ID: 2095703). This variant has not been reported in the literature in individuals affected with SIK1-related conditions. This variant is not present in population databases (gnomAD no frequency). This sequence change replaces proline, which is neutral and non-polar, with threonine, which is neutral and polar, at codon 493 of the SIK1 protein (p.Pro493Thr).